The following is an entry in ClinVar:

NM_023036.6(DNAI2):c.1327G>A (p.Asp443Asn)

Gene: DNAI2 (dynein axonemal intermediate chain 2; plus strand). Cytogenetic location: 17q25.1.
Variant type: single nucleotide variant.
Coding change: c.1327G>A on transcript NM_023036.6 (MANE Select); coding-DNA position 1327, G replaced by A.
Protein change: p.Asp443Asn; replaces aspartic acid 443 with asparagine.
Molecular consequence: missense variant. On other transcripts: non-coding transcript variant (1).
Genome position (GRCh38, 1-based): chr17:74,309,368, G>A. VCF-style: chr17-74309368-G-A. GRCh37 (hg19) VCF-style: chr17-72305507-G-A.
Other names: c.1327G>A, p.Asp443Asn (NM_001172810.3, NM_001353167.2); c.1327G>A (NM_023036.4); short protein forms D443N.
Identifiers: ClinVar variation 445505 (VCV000445505.10), dbSNP rs368225621, ClinGen allele CA8745696.

ClinVar aggregate classification (germline): Uncertain significance. Review status: criteria provided, multiple submitters, no conflicts (2 of 4 stars). 5 submissions from 5 submitters: Uncertain significance (4). 1 of the submissions does not count toward it. Last evaluated 2026-06-23.

Conditions:
Primary ciliary dyskinesia. Also called: Ciliary dyskinesia. Identifiers: Orphanet 244, MedGen C0008780, MONDO:0016575, HP:0012265.
Primary ciliary dyskinesia 9. Also called: CILIARY DYSKINESIA, PRIMARY, 9, WITH OR WITHOUT SITUS INVERSUS. Identifiers: Orphanet 244, MedGen C2676235, MONDO:0012906, OMIM 612444.

Allele frequency attached by ClinVar (database versions not stated): gnomAD exomes 0.00001 and 0.00004; ExAC 0.00002; gnomAD 0.00003 and 0.00004; TOPMed 0.00005.
gnomAD v4.1: 67 of 1,613,990 alleles (0.0042%); highest among the groups gnomAD compares: Non-Finnish European, 0.0053%; no homozygotes.

Submissions (5):

GeneDx
Classification: Uncertain significance. Last evaluated: 2026-06-23. Review status: criteria provided, single submitter. Criteria: GeneDx Variant Classification Process June 2021. Collection method: clinical testing. Allele origin: germline.
Comment: Not observed at significant frequency in large population cohorts (gnomAD); In silico analysis suggests that this missense variant does not alter protein structure/function; Has not been previously published as pathogenic or benign to our knowledge

Ambry Genetics
Classification: Uncertain significance for Primary ciliary dyskinesia. Last evaluated: 2024-05-27. Review status: criteria provided, single submitter. Criteria: Ambry Variant Classification Scheme 2023. Collection method: clinical testing. Allele origin: germline.
Comment: The p.D443N variant (also known as c.1327G>A), located in coding exon 9 of the DNAI2 gene, results from a G to A substitution at nucleotide position 1327. The aspartic acid at codon 443 is replaced by asparagine, an amino acid with highly similar properties. This amino acid position is conserved. In addition, this alteration is predicted to be tolerated by in silico analysis. Based on the available evidence, the clinical significance of this variant remains unclear.

Fulgent Genetics
Classification: Uncertain significance for Primary ciliary dyskinesia 9. Last evaluated: 2021-11-08. Review status: criteria provided, single submitter. Criteria: ACMG Guidelines, 2015. Collection method: clinical testing. Allele origin: unknown.

Center for Pediatric Genomic Medicine, Children's Mercy Hospital and Clinics
Classification: Uncertain significance. Last evaluated: 2017-04-28. Review status: criteria provided, single submitter. Criteria: ACMG Guidelines, 2015. Collection method: clinical testing. Allele origin: germline.

Natera, Inc.
Classification: Uncertain significance for Primary ciliary dyskinesia. Last evaluated: 2020-08-19. Review status: no assertion criteria provided. Collection method: clinical testing. Allele origin: germline. Not counted in ClinVar's aggregate classification.